The following is an entry in ClinVar:

ClinVar aggregate classification (germline): Uncertain significance. Review status: criteria provided, multiple submitters, no conflicts (2 of 4 stars). 3 submissions from 3 submitters: Uncertain significance (3). Last evaluated 2024-09-22.

Conditions:
Hereditary cancer-predisposing syndrome. Also called: Hereditary neoplastic syndrome; Hereditary Cancer Syndrome; Tumor predisposition; Neoplastic Syndromes, Hereditary. Identifiers: Orphanet 140162, MedGen C0027672, MeSH D009386, MONDO:0015356.
Hereditary pheochromocytoma and paraganglioma. Also called: Hereditary pheochromocytoma-paraganglioma; Hereditary Paraganglioma-Pheochromocytoma Syndromes; Hereditary paragangliomas and pheochromocytomas. Identifiers: Orphanet 29072, MedGen C4274332, MONDO:0017366.
Pheochromocytoma. Also called: MAX-Related Hereditary Paraganglioma-Pheochromocytoma Syndrome. Identifiers: Orphanet 29072, MedGen C0031511, MONDO:0008233, OMIM 171300, HP:0002666.

Allele frequency attached by ClinVar (database versions not stated): gnomAD exomes below 0.00001.
gnomAD v4.1: 2 of 1,613,952 alleles (0.00012%); highest among the groups gnomAD compares: Non-Finnish European, 0.00017%; no homozygotes.

Submissions (3):

Ambry Genetics
Classification: Uncertain significance for Hereditary cancer-predisposing syndrome. Last evaluated: 2024-09-22. Review status: criteria provided, single submitter. Criteria: Ambry Variant Classification Scheme 2023. Collection method: clinical testing. Allele origin: germline.
Comment: The p.L195P variant (also known as c.584T>C), located in coding exon 3 of the TMEM127 gene, results from a T to C substitution at nucleotide position 584. The leucine at codon 195 is replaced by proline, an amino acid with similar properties. This amino acid position is highly conserved in available vertebrate species. In addition, this alteration is predicted to be deleterious by in silico analysis. Since supporting evidence is limited at this time, the clinical significance of this alteration remains unclear.

Labcorp Genetics (formerly Invitae), Labcorp
Classification: Uncertain significance for Hereditary pheochromocytoma and paraganglioma. Last evaluated: 2024-07-17. Review status: criteria provided, single submitter. Criteria: Invitae Variant Classification Sherloc (09022015). Collection method: clinical testing. Allele origin: germline.
Comment: This sequence change replaces leucine, which is neutral and non-polar, with proline, which is neutral and non-polar, at codon 195 of the TMEM127 protein (p.Leu195Pro). This variant is not present in population databases (gnomAD no frequency). This variant has not been reported in the literature in individuals affected with TMEM127-related conditions. ClinVar contains an entry for this variant (Variation ID: 950791). An algorithm developed to predict the effect of missense changes on protein structure and function (PolyPhen-2) suggests that this variant is likely to be disruptive. In summary, the available evidence is currently insufficient to determine the role of this variant in disease. Therefore, it has been classified as a Variant of Uncertain Significance.

Baylor Genetics
Classification: Uncertain significance for Pheochromocytoma. Last evaluated: 2024-01-26. Review status: criteria provided, single submitter. Criteria: ACMG Guidelines, 2015. Collection method: clinical testing. Allele origin: unknown.

NM_017849.4(TMEM127):c.584T>C (p.Leu195Pro)

Gene: TMEM127 (transmembrane protein 127; minus strand). Cytogenetic location: 2q11.2.
Variant type: single nucleotide variant.
Coding change: c.584T>C on transcript NM_017849.4 (MANE Select); coding-DNA position 584, T replaced by C.
Protein change: p.Leu195Pro; replaces leucine 195 with proline.
Molecular consequence: missense variant.
Genome position (GRCh38, 1-based): chr2:96,253,941, A>G on the plus strand (T>C on the coding strand, the complement: TMEM127 is on the minus strand). VCF-style: chr2-96253941-A-G. GRCh37 (hg19) VCF-style: chr2-96919679-A-G.
Other names: c.584T>C, p.Leu195Pro (NM_001193304.3); short protein forms L195P.
Identifiers: ClinVar variation 950791 (VCV000950791.13), dbSNP rs1573969123, ClinGen allele CA347652184.